The following is an entry in ClinVar:

ClinVar aggregate classification (germline): Uncertain significance (1 of 4 stars; one submission).

gnomAD v4.1: 4 of 1,614,102 alleles (0.00025%); highest among the groups gnomAD compares: Non-Finnish European, 0.00034%; no homozygotes.

Submission:

GeneDx
Classification: Uncertain significance. Last evaluated: 2024-04-25. Review status: criteria provided, single submitter. Criteria: GeneDx Variant Classification Process June 2021. Collection method: clinical testing. Allele origin: germline. Affected: yes.
Comment: Not observed at significant frequency in large population cohorts (gnomAD); In silico analysis indicates that this missense variant does not alter protein structure/function; Has not been previously published as pathogenic or benign to our knowledge

NM_012208.4(HARS2):c.1147C>T (p.Leu383Phe)

Gene: HARS2 (histidyl-tRNA synthetase 2, mitochondrial; plus strand). Cytogenetic location: 5q31.3.
Variant type: single nucleotide variant.
Coding change: c.1147C>T on transcript NM_012208.4 (MANE Select); coding-DNA position 1147, C replaced by T.
Protein change: p.Leu383Phe; replaces leucine 383 with phenylalanine.
Molecular consequence: missense variant.
Genome position (GRCh38, 1-based): chr5:140,697,356, C>T. VCF-style: chr5-140697356-C-T. GRCh37 (hg19) VCF-style: chr5-140076941-C-T.
Other names: c.1072C>T, p.Leu358Phe (NM_001278731.2); c.715C>T, p.Leu239Phe (NM_001278732.2); c.1165C>T, p.Leu389Phe (NM_001363535.2); c.937C>T, p.Leu313Phe (NM_001363536.2); short protein forms L239F, L313F, L358F, L383F, L389F.
Identifiers: ClinVar variation 3367889 (VCV003367889.1).